The following is an entry in ClinVar:

NM_001103.4(ACTN2):c.1839+255G>A

Gene: ACTN2 (actinin alpha 2; plus strand). Cytogenetic location: 1q43.
Variant type: single nucleotide variant.
Coding change: c.1839+255G>A on transcript NM_001103.4 (MANE Select); 255 bases into the intron after coding-DNA position 1839, G replaced by A.
Molecular consequence: intron variant.
Genome position (GRCh38, 1-based): chr1:236,751,907, G>A. VCF-style: chr1-236751907-G-A. GRCh37 (hg19) VCF-style: chr1-236915207-G-A.
Other names: c.1215+255G>A (NM_001278344.2); c.1839+255G>A (NM_001278343.2).
Identifiers: ClinVar variation 682671 (VCV000682671.1), dbSNP rs4659713, ClinGen allele CA16083366.
Genomic context (GRCh38, chr1:236,751,907, plus strand): 5'-GGAAAGAAAGCAGAGATTATTTTACTTAAGGAAAATCTTATAAATGTTGACACAACCACT[G>A]TAGGTTATGATCCTAATACCATAAAGGAAATGGTTTTTAAAGCCCCAACTGGAAATTTGG-3'

ClinVar aggregate classification (germline): Benign (1 of 4 stars; one submission).

Allele frequency attached by ClinVar (database versions not stated): 1000 Genomes Project 30x 0.77780; 1000 Genomes Project 0.77835; TOPMed 0.78359; gnomAD 0.79962 and 0.80133.
gnomAD v4.1: 122,006 of 152,136 alleles (80%); highest among the groups gnomAD compares: South Asian, 88%; 49,472 homozygotes.

Submission:

GeneDx
Classification: Benign. Last evaluated: 2018-06-18. Review status: criteria provided, single submitter. Criteria: GeneDx Variant Classification (06012015). Collection method: clinical testing. Allele origin: germline. Affected: yes.
Comment: This variant is considered likely benign or benign based on one or more of the following criteria: it is a conservative change, it occurs at a poorly conserved position in the protein, it is predicted to be benign by multiple in silico algorithms, and/or has population frequency not consistent with disease.